The following is an entry in ClinVar:

ClinVar aggregate classification (germline): Conflicting classifications of pathogenicity. Review status: criteria provided, conflicting classifications (1 of 4 stars). 2 submissions from 2 submitters: Likely pathogenic (1); Uncertain significance (1). Last evaluated 2024-09-09.

Conditions:
Dilated cardiomyopathy 1G (CMD1G). Identifiers: Orphanet 154, MedGen C1858763, MONDO:0011400, OMIM 604145.
Autosomal recessive limb-girdle muscular dystrophy type 2J (LGMDR10). Also called: MUSCULAR DYSTROPHY, LIMB-GIRDLE, AUTOSOMAL RECESSIVE 10; Limb-girdle muscular dystrophy, type 2J. Identifiers: Orphanet 140922, MedGen C1837342, MONDO:0012127, OMIM 608807.

Submissions (2):

Labcorp Genetics (formerly Invitae), Labcorp
Classification: Likely pathogenic for Dilated cardiomyopathy 1G; Autosomal recessive limb-girdle muscular dystrophy type 2J. Last evaluated: 2024-09-09. Review status: criteria provided, single submitter. Criteria: Invitae Variant Classification Sherloc (09022015). Collection method: clinical testing. Allele origin: germline.
Comment: This sequence change affects an acceptor splice site in intron 142 of the TTN gene. It is expected to disrupt RNA splicing and likely results in a truncated or disrupted TTN protein. This variant is not present in population databases (gnomAD no frequency). This variant has not been reported in the literature in individuals affected with TTN-related conditions. ClinVar contains an entry for this variant (Variation ID: 1800543). Algorithms developed to predict the effect of sequence changes on RNA splicing suggest that this variant may disrupt the consensus splice site. This variant is located in the I band of TTN (PMID: 25589632). Truncating variants in this region have been reported in individuals affected with autosomal recessive centronuclear myopathy (PMID: 23975875, internal data). Truncating variants in this region have also been identified in individuals affected with autosomal dominant dilated cardiomyopathy and/or cardio-related conditions (PMID: 27869827, 32964742, internal data). In summary, the currently available evidence indicates that the variant is pathogenic, but additional data are needed to prove that conclusively. Therefore, this variant has been classified as Likely Pathogenic.

GeneDx
Classification: Uncertain significance. Last evaluated: 2022-05-17. Review status: criteria provided, single submitter. Criteria: GeneDx Variant Classification Process June 2021. Collection method: clinical testing. Allele origin: germline. Affected: yes.
Comment: Has not been previously published as pathogenic or benign to our knowledge; Not observed at significant frequency in large population cohorts (gnomAD); Canonical splice site variant with an unclear effect on protein function; Located in a region of TTN within the I-band in which the majority of loss of function variants are significantly associated with autosomal dominant titinopathies (Deo et al., 2016; Schafer et al., 2017); This variant is associated with the following publications: (PMID: 27625338, 27869827)

Literature cited by the submitters: PubMed 25589632 (cited by Labcorp Genetics (formerly Invitae), Labcorp); PubMed 23975875 (cited by Labcorp Genetics (formerly Invitae), Labcorp); PubMed 27869827 (cited by Labcorp Genetics (formerly Invitae), Labcorp); PubMed 32964742 (cited by Labcorp Genetics (formerly Invitae), Labcorp).

NM_001267550.2(TTN):c.33743-1G>C

Gene: TTN (titin; minus strand). Cytogenetic location: 2q31.2.
Variant type: single nucleotide variant.
Coding change: c.33743-1G>C on transcript NM_001267550.2 (MANE Select); the canonical splice acceptor site of the intron before coding-DNA position 33743, G replaced by C.
Molecular consequence: splice acceptor variant. On other transcripts: intron variant (3).
Genome position (GRCh38, 1-based): chr2:178,678,831, C>G on the plus strand (G>C on the coding strand, the complement: TTN is on the minus strand). VCF-style: chr2-178678831-C-G. GRCh37 (hg19) VCF-style: chr2-179543558-C-G.
Other names: c.13283-36514G>C (NM_003319.4); c.13859-36514G>C (NM_133437.4); c.13658-36514G>C (NM_133432.3); c.30011-1G>C (NM_133378.4); c.32792-1G>C (NM_001256850.1).
Identifiers: ClinVar variation 1800543 (VCV001800543.3), dbSNP rs2473852727, ClinGen allele CA349533814.